The following is an entry in ClinVar:

NM_000092.5(COL4A4):c.328-10G>A

Gene: COL4A4 (collagen type IV alpha 4 chain; minus strand). Cytogenetic location: 2q36.3.
Variant type: single nucleotide variant.
Coding change: c.328-10G>A on transcript NM_000092.5 (MANE Select); 10 bases into the intron before coding-DNA position 328, G replaced by A.
Molecular consequence: intron variant.
Genome position (GRCh38, 1-based): chr2:227,119,949, C>T on the plus strand (G>A on the coding strand, the complement: COL4A4 is on the minus strand). VCF-style: chr2-227119949-C-T. GRCh37 (hg19) VCF-style: chr2-227984665-C-T.
Identifiers: ClinVar variation 4736933 (VCV004736933.2).
Genomic context (GRCh38, chr2:227,119,949, plus strand): 5'-ACTTACAGGTATGCCATCTAAACCTGGAAATCCAGGAACACCAGTTGGACCCTAAAATCC[C>T]AGAAAATAAAACAAAGAGATAAAAATTATTAAATTAATAAGCTGATTTACTTGAAAATAG-3'

ClinVar aggregate classification (germline): Uncertain significance. Review status: criteria provided, multiple submitters, no conflicts (2 of 4 stars). 2 submissions from 2 submitters: Uncertain significance (2). Last evaluated 2025-11-17.

gnomAD v4.1: 7 of 1,567,230 alleles (0.00045%); highest among the groups gnomAD compares: Non-Finnish European, 0.00061%; no homozygotes.

Submissions (2):

Labcorp Genetics (formerly Invitae), Labcorp
Classification: Uncertain significance. Last evaluated: 2025-11-17. Review status: criteria provided, single submitter. Criteria: Invitae Variant Classification Sherloc (09022015). Collection method: clinical testing. Allele origin: germline.
Comment: This sequence change falls in intron 5 of the COL4A4 gene. It does not directly change the encoded amino acid sequence of the COL4A4 protein. This variant is not present in population databases (gnomAD no frequency). This variant has not been reported in the literature in individuals affected with COL4A4-related conditions. Algorithms developed to predict the effect of sequence changes on RNA splicing suggest that this variant may disrupt the consensus splice site. In summary, the available evidence is currently insufficient to determine the role of this variant in disease. Therefore, it has been classified as a Variant of Uncertain Significance.

Blueprint Genetics
Classification: Uncertain significance. Last evaluated: 2021-03-08. Review status: criteria provided, single submitter. Criteria: ACMG Guidelines, 2015. Collection method: clinical testing. Allele origin: germline.